The following is an entry in ClinVar:

NM_000540.3(RYR1):c.857C>T (p.Thr286Ile)

Gene: RYR1 (ryanodine receptor 1; plus strand). Cytogenetic location: 19q13.2.
Variant type: single nucleotide variant.
Coding change: c.857C>T on transcript NM_000540.3 (MANE Select); coding-DNA position 857, C replaced by T.
Protein change: p.Thr286Ile; replaces threonine 286 with isoleucine.
Molecular consequence: missense variant.
Genome position (GRCh38, 1-based): chr19:38,448,411, C>T. VCF-style: chr19-38448411-C-T. GRCh37 (hg19) VCF-style: chr19-38939051-C-T.
Other names: c.857C>T, p.Thr286Ile (NM_001042723.2); short protein forms T286I.
Identifiers: ClinVar variation 3072565 (VCV003072565.1), dbSNP rs2513994927, ClinGen allele CA405681281.

ClinVar aggregate classification (germline): Uncertain significance (1 of 4 stars; one submission).

Conditions:
Malignant hyperthermia, susceptibility to, 1 (MHS1). Also called: Anesthesia related hyperthermia; Malignant hyperpyrexia; Fulminating hyperpyrexia; Pharmacogenic myopathy; RYR1-Related Malignant Hyperthermia Susceptibility; Malignant hyperthermia suceptibility 1. Identifiers: Orphanet 423, MedGen C2930980, MONDO:0007783, OMIM 145600.

Submission:

All of Us Research Program, National Institutes of Health
Classification: Uncertain significance for Malignant hyperthermia, susceptibility to, 1. Last evaluated: 2023-08-08. Review status: criteria provided, single submitter. Criteria: ACMG Guidelines, 2015. Collection method: clinical testing. Allele origin: germline. Inheritance: Autosomal dominant inheritance. Observed: 1 variant allele, 1 heterozygote.
Comment: This missense variant replaces threonine with isoleucine at codon 286 of the RYR1 protein. Computational prediction suggests that this variant may have deleterious impact on protein structure and function (internally defined REVEL score threshold >= 0.7, PMID: 27666373). To our knowledge, functional studies have not been reported for this variant. This variant has not been reported in individuals affected with RYR1-related disorders in the literature. This variant has not been identified in the general population by the Genome Aggregation Database (gnomAD). The available evidence is insufficient to determine the role of this variant in disease conclusively. Therefore, this variant is classified as a Variant of Uncertain Significance.

This study involves interpretation of variants in research participants for the purpose of population health screening. Participant phenotype was not available at the time of variant classification. Additional details can be found in publication PMID: 35346344, PMCID: PMC8962531